The following is an entry in ClinVar:

NM_000168.6(GLI3):c.*2715G>A

Gene: GLI3 (GLI family zinc finger 3; minus strand). Cytogenetic location: 7p14.1.
Variant type: single nucleotide variant.
Coding change: c.*2715G>A on transcript NM_000168.6 (MANE Select); 2715 bases downstream of the stop codon, G replaced by A.
Molecular consequence: 3 prime UTR variant.
Genome position (GRCh38, 1-based): chr7:41,961,615, C>T on the plus strand (G>A on the coding strand, the complement: GLI3 is on the minus strand). VCF-style: chr7-41961615-C-T. GRCh37 (hg19) VCF-style: chr7-42001213-C-T.
Identifiers: ClinVar variation 360163 (VCV000360163.6), dbSNP rs193192167, ClinGen allele CA10626078.
Genomic context (GRCh38, chr7:41,961,615, plus strand): 5'-CAAAAATGGTTAGAAAACGTTTAACACAGACATTAAGCAGGAGTAGAATGTGTGAGCCTG[C>T]ATGTTTTAGAAAAGGCAGGATGGTGACACTAGTGAGGCGGTCCTCTCGCTCTAAAATGCA-3'

ClinVar aggregate classification (germline): Benign/Likely benign. Review status: criteria provided, multiple submitters, no conflicts (2 of 4 stars). 4 submissions from 2 submitters: Benign (3); Likely benign (1). Last evaluated 2021-05-15.

Conditions:
Pallister-Hall syndrome (PHS). Also called: HYPOTHALAMIC HAMARTOBLASTOMA, HYPOPITUITARISM, IMPERFORATE ANUS, AND POSTAXIAL POLYDACTYLY; GLI3-Related Pallister-Hall Syndrome. Identifiers: Orphanet 672, MedGen C0265220, MONDO:0007804, OMIM 146510.
Greig cephalopolysyndactyly syndrome (GCPS). Also called: POLYSYNDACTYLY WITH PECULIAR SKULL SHAPE; Greig syndrome; GLI3-Related Greig Cephalopolysyndactyly Syndrome. Identifiers: Orphanet 380, MedGen C0265306, MONDO:0008287, OMIM 175700.
Polydactyly. Also called: polydactylism. Identifiers: MedGen C0152427, MONDO:0021003, OMIM 603596, HP:0010442.

Allele frequency attached by ClinVar (database versions not stated): 1000 Genomes Project 30x 0.00156; 1000 Genomes Project 0.00200; TOPMed 0.00335; gnomAD 0.00511 and 0.00534; gnomAD exomes 0.06250.
gnomAD v4.1: 772 of 152,318 alleles (0.51%); highest among the groups gnomAD compares: Non-Finnish European, 0.58%; 5 homozygotes.

Submissions (4):

GeneDx
Classification: Likely benign. Last evaluated: 2021-05-15. Review status: criteria provided, single submitter. Criteria: GeneDx Variant Classification Process June 2021. Collection method: clinical testing. Allele origin: germline. Affected: yes.

Illumina Laboratory Services, Illumina
Classification: Benign for Polydactyly. Last evaluated: 2018-01-12. Review status: criteria provided, single submitter. Criteria: ICSL Variant Classification Criteria 13 December 2019. Collection method: clinical testing. Allele origin: germline.
Comment: This variant was observed in the ICSL laboratory as part of a predisposition screen in an ostensibly healthy population. It had not been previously curated by ICSL or reported in the Human Gene Mutation Database (HGMD: prior to June 1st, 2018), and was therefore a candidate for classification through an automated scoring system. Utilizing variant allele frequency, disease prevalence and penetrance estimates, and inheritance mode, an automated score was calculated to assess if this variant is too frequent to cause the disease. Based on the score and internal cut-off values, a variant classified as benign is not then subjected to further curation. The score for this variant resulted in a classification of benign for this disease.

Illumina Laboratory Services, Illumina
Classification: Benign for Pallister-Hall syndrome. Last evaluated: 2018-01-12. Review status: criteria provided, single submitter. Criteria: ICSL Variant Classification Criteria 13 December 2019. Collection method: clinical testing. Allele origin: germline.
Comment: the same text as in the submission from Illumina Laboratory Services, Illumina above.

Illumina Laboratory Services, Illumina
Classification: Benign for Greig cephalopolysyndactyly syndrome. Last evaluated: 2018-01-12. Review status: criteria provided, single submitter. Criteria: ICSL Variant Classification Criteria 13 December 2019. Collection method: clinical testing. Allele origin: germline.
Comment: the same text as in the submission from Illumina Laboratory Services, Illumina above.